The following is an entry in ClinVar:

ClinVar aggregate classification (germline): Benign/Likely benign. Review status: criteria provided, multiple submitters, no conflicts (2 of 4 stars). 4 submissions from 4 submitters: Benign (1); Likely benign (2). 1 of the submissions does not count toward it. Last evaluated 2025-12-19.

Conditions:
SETBP1-related disorder. Also called: SETBP1-related condition; SETBP1-related disorders.
Inborn genetic diseases. Identifiers: MedGen C0950123, MeSH D030342.

Allele frequency attached by ClinVar (database versions not stated): ExAC 0.00003; gnomAD exomes 0.00003; ESP Exome Variant Server 0.00008; TOPMed 0.00010; gnomAD 0.00012.
gnomAD v4.1: 58 of 1,613,794 alleles (0.0036%); highest among the groups gnomAD compares: Middle Eastern, 0.033%; no homozygotes.

Submissions (4):

Labcorp Genetics (formerly Invitae), Labcorp
Classification: Benign. Last evaluated: 2025-12-19. Review status: criteria provided, single submitter. Criteria: Invitae Variant Classification Sherloc (09022015). Collection method: clinical testing. Allele origin: germline.

Ambry Genetics
Classification: Likely benign for Inborn genetic diseases. Last evaluated: 2023-08-15. Review status: criteria provided, single submitter. Criteria: Ambry Variant Classification Scheme 2023. Collection method: clinical testing. Allele origin: germline.

Blueprint Genetics
Classification: Likely benign. Last evaluated: 2022-12-21. Review status: criteria provided, single submitter. Criteria: ACMG Guidelines, 2015. Collection method: clinical testing. Allele origin: germline.

PreventionGenetics, part of Exact Sciences
Classification: Likely benign for SETBP1-related condition. Last evaluated: 2024-06-26. Review status: no assertion criteria provided. Collection method: clinical testing. Allele origin: germline. Not counted in ClinVar's aggregate classification.
Comment: This variant is classified as likely benign based on ACMG/AMP sequence variant interpretation guidelines (Richards et al. 2015 PMID: 25741868, with internal and published modifications).

NM_015559.3(SETBP1):c.1159G>A (p.Val387Met)

Gene: SETBP1 (SET binding protein 1; plus strand). Cytogenetic location: 18q12.3.
Variant type: single nucleotide variant.
Coding change: c.1159G>A on transcript NM_015559.3 (MANE Select); coding-DNA position 1159, G replaced by A.
Protein change: p.Val387Met; replaces valine 387 with methionine.
Molecular consequence: missense variant.
Genome position (GRCh38, 1-based): chr18:44,950,499, G>A. VCF-style: chr18-44950499-G-A. GRCh37 (hg19) VCF-style: chr18-42530464-G-A.
Other names: c.1159G>A, p.Val387Met (NM_001379141.1, NM_001379142.1); c.1159G>A (NM_015559.2); short protein forms V387M.
Identifiers: ClinVar variation 1620128 (VCV001620128.12), dbSNP rs368829088, ClinGen allele CA8945568.
Genomic context (GRCh38, chr18:44,950,499, plus strand): 5'-GGGAAAAGGGAAGGTTATTCCGCAGATAGTGCCCAAGAGGCATCACCAGCCAGGCAGAAC[G>A]TGAGTTCTGCCAGTAATCCTGAAAATGACTCAAGTCATGTCCGGATTACTATCCCCATCA-3'
Protein context (NP_056374.2, residues 377-397): AQEASPARQN[Val387Met]SSASNPENDS